The following is an entry in ClinVar:

NM_001005242.3(PKP2):c.-16C>T

Gene: PKP2 (plakophilin 2; minus strand). Cytogenetic location: 12p11.21.
Variant type: single nucleotide variant.
Coding change: c.-16C>T on transcript NM_001005242.3 (MANE Select); 16 bases upstream of the start codon, C replaced by T.
Molecular consequence: 5 prime UTR variant.
Genome position (GRCh38, 1-based): chr12:32,896,747, G>A on the plus strand (C>T on the coding strand, the complement: PKP2 is on the minus strand). VCF-style: chr12-32896747-G-A. GRCh37 (hg19) VCF-style: chr12-33049681-G-A.
Other names: c.-16C>T (NM_004572.4).
Identifiers: ClinVar variation 514084 (VCV000514084.1), dbSNP rs1214374578, ClinGen allele CA604480715.

ClinVar aggregate classification (germline): Likely benign (1 of 4 stars; one submission).

Allele frequency attached by ClinVar (database versions not stated): gnomAD 0.00001; gnomAD exomes 0.00002.
gnomAD v4.1: 25 of 1,344,896 alleles (0.0019%); highest among the groups gnomAD compares: Non-Finnish European, 0.0023%; no homozygotes.

Submission:

GeneDx
Classification: Likely benign. Last evaluated: 2017-12-13. Review status: criteria provided, single submitter. Criteria: GeneDx Variant Classification (06012015). Collection method: clinical testing. Allele origin: germline. Affected: yes.
Comment: This variant is considered likely benign or benign based on one or more of the following criteria: it is a conservative change, it occurs at a poorly conserved position in the protein, it is predicted to be benign by multiple in silico algorithms, and/or has population frequency not consistent with disease.